The following is an entry in ClinVar:

NM_006019.4(TCIRG1):c.1306-3C>G

Gene: TCIRG1 (T cell immune regulator 1, ATPase H+ transporting V0 subunit a3; plus strand). Cytogenetic location: 11q13.2.
Variant type: single nucleotide variant.
Coding change: c.1306-3C>G on transcript NM_006019.4 (MANE Select); 3 bases into the intron before coding-DNA position 1306, C replaced by G.
Molecular consequence: intron variant.
Genome position (GRCh38, 1-based): chr11:68,047,644, C>G. VCF-style: chr11-68047644-C-G. GRCh37 (hg19) VCF-style: chr11-67815111-C-G.
Other names: c.412-3C>G (NM_001351059.2); c.658-3C>G (NM_006053.4).
Identifiers: ClinVar variation 3707293 (VCV003707293.2).
Genomic context (GRCh38, chr11:68,047,644, plus strand): 5'-GGCTGGGGTCCTGATGAGGGTAGCAGGGCCAGGCAGCCCCTCACCACACCACTGCCCCCC[C>G]AGATCTGGCAGACTTTCTTCAGGGGCCGCTACCTGCTCCTGCTTATGGGCCTGTTCTCCA-3'

ClinVar aggregate classification (germline): Uncertain significance (1 of 4 stars; one submission).

gnomAD v4.1: 5 of 1,613,312 alleles (0.00031%); highest among the groups gnomAD compares: South Asian, 0.0011%; no homozygotes.

Submission:

Labcorp Genetics (formerly Invitae), Labcorp
Classification: Uncertain significance. Last evaluated: 2025-10-08. Review status: criteria provided, single submitter. Criteria: Invitae Variant Classification Sherloc (09022015). Collection method: clinical testing. Allele origin: germline.
Comment: This sequence change falls in intron 11 of the TCIRG1 gene. It does not directly change the encoded amino acid sequence of the TCIRG1 protein. It affects a nucleotide within the consensus splice site. This variant is present in population databases (no rsID available, gnomAD 0.003%). This variant has not been reported in the literature in individuals affected with TCIRG1-related conditions. ClinVar contains an entry for this variant (Variation ID: 3707293). Variants that disrupt the consensus splice site are a relatively common cause of aberrant splicing (PMID: 17576681, 9536098). Algorithms developed to predict the effect of sequence changes on RNA splicing suggest that this variant may disrupt the consensus splice site. In summary, the available evidence is currently insufficient to determine the role of this variant in disease. Therefore, it has been classified as a Variant of Uncertain Significance.

Literature cited by the submitters: PubMed 17576681; PubMed 9536098.